The following is an entry in ClinVar:

NM_000111.3(SLC26A3):c.1514+1G>A

Gene: SLC26A3 (solute carrier family 26 member 3; minus strand). Cytogenetic location: 7q22.3.
Variant type: single nucleotide variant.
Coding change: c.1514+1G>A on transcript NM_000111.3 (MANE Select); the canonical splice donor site of the intron after coding-DNA position 1514, G replaced by A.
Molecular consequence: splice donor variant.
Genome position (GRCh38, 1-based): chr7:107,778,174, C>T on the plus strand (G>A on the coding strand, the complement: SLC26A3 is on the minus strand). VCF-style: chr7-107778174-C-T. GRCh37 (hg19) VCF-style: chr7-107418619-C-T.
Identifiers: ClinVar variation 1803226 (VCV001803226.5), dbSNP rs746758186, ClinGen allele CA4433811.

ClinVar aggregate classification (germline): Pathogenic. Review status: criteria provided, multiple submitters, no conflicts (2 of 4 stars). 2 submissions from 2 submitters: Pathogenic (2). Last evaluated 2025-05-27.

Conditions:
Congenital secretory diarrhea, chloride type (DIAR1). Also called: DIARRHEA 1, SECRETORY CHLORIDE, CONGENITAL; CHLORIDORRHEA, CONGENITAL; CHLORIDE DIARRHEA, CONGENITAL, FINNISH TYPE. Identifiers: Orphanet 53689, MedGen C0267662, MONDO:0008964, OMIM 214700.

Allele frequency attached by ClinVar (database versions not stated): ExAC 0.00001; gnomAD 0.00001; TOPMed below 0.00001.
gnomAD v4.1: 14 of 1,608,756 alleles (0.00087%); highest among the groups gnomAD compares: Admixed American, 0.0017%; no homozygotes.

Submissions (2):

Labcorp Genetics (formerly Invitae), Labcorp
Classification: Pathogenic. Last evaluated: 2025-05-27. Review status: criteria provided, single submitter. Criteria: Invitae Variant Classification Sherloc (09022015). Collection method: clinical testing. Allele origin: germline.
Comment: This sequence change affects a donor splice site in intron 13 of the SLC26A3 gene. It is expected to disrupt RNA splicing. Variants that disrupt the donor or acceptor splice site typically lead to a loss of protein function (PMID: 16199547), and loss-of-function variants in SLC26A3 are known to be pathogenic (PMID: 9718329, 21394828). The frequency data for this variant in the population databases is considered unreliable, as metrics indicate poor data quality at this position in the gnomAD database. Disruption of this splice site has been observed in individual(s) with congenital chloride diarrhea (PMID: 21694535). ClinVar contains an entry for this variant (Variation ID: 1803226). Algorithms developed to predict the effect of sequence changes on RNA splicing suggest that this variant may disrupt the consensus splice site. For these reasons, this variant has been classified as Pathogenic.

Genetics and Molecular Pathology, SA Pathology
Classification: Pathogenic for Congenital secretory diarrhea, chloride type. Last evaluated: 2022-07-05. Review status: criteria provided, single submitter. Criteria: ACMG Guidelines, 2015. Collection method: clinical testing. Allele origin: germline. Inheritance: Autosomal recessive inheritance. Affected: yes.

Literature cited by the submitters: PubMed 16199547 (cited by Labcorp Genetics (formerly Invitae), Labcorp); PubMed 9718329 (cited by Labcorp Genetics (formerly Invitae), Labcorp); PubMed 21394828 (cited by Labcorp Genetics (formerly Invitae), Labcorp); PubMed 21694535 (cited by Labcorp Genetics (formerly Invitae), Labcorp).